The following is an entry in ClinVar:

NM_178161.3(PTF1A):c.728G>T (p.Gly243Val)

Gene: PTF1A (pancreas associated transcription factor 1a; plus strand). Cytogenetic location: 10p12.2.
Variant type: single nucleotide variant.
Coding change: c.728G>T on transcript NM_178161.3 (MANE Select); coding-DNA position 728, G replaced by T.
Protein change: p.Gly243Val; replaces glycine 243 with valine.
Molecular consequence: missense variant.
Genome position (GRCh38, 1-based): chr10:23,193,258, G>T. VCF-style: chr10-23193258-G-T. GRCh37 (hg19) VCF-style: chr10-23482187-G-T.
Other names: short protein forms G243V.
Identifiers: ClinVar variation 2634547 (VCV002634547.1), dbSNP rs921869120, ClinGen allele CA204734000.

ClinVar aggregate classification (germline): Uncertain significance (1 of 4 stars; one submission).

Conditions:
PTF1A-related disorder. Also called: PTF1A-related condition.

Allele frequency attached by ClinVar (database versions not stated): gnomAD 0.00007; TOPMed 0.00007.
gnomAD v4.1: 14 of 1,245,684 alleles (0.0011%); highest among the groups gnomAD compares: African/African-American, 0.022%; no homozygotes.

Submission:

PreventionGenetics, part of Exact Sciences
Classification: Uncertain significance for PTF1A-related condition. Last evaluated: 2022-09-16. Review status: criteria provided, single submitter. Criteria: ACMG Guidelines, 2015. Collection method: clinical testing. Allele origin: germline.
Comment: The PTF1A c.728G>T variant is predicted to result in the amino acid substitution p.Gly243Val. To our knowledge, this variant has not been reported in the literature. This variant is reported in 0.023% of alleles in individuals of African descent in gnomAD. At this time, the clinical significance of this variant is uncertain due to the absence of conclusive functional and genetic evidence.